The following is an entry in ClinVar:

NM_001163809.2(WDR81):c.5220G>A (p.Val1740=)

Gene: WDR81 (WD repeat domain 81; plus strand). Cytogenetic location: 17p13.3.
Variant type: single nucleotide variant.
Coding change: c.5220G>A on transcript NM_001163809.2 (MANE Select); coding-DNA position 5220, G replaced by A.
Protein change: p.Val1740=; no amino-acid change (valine 1740 retained).
Molecular consequence: synonymous variant.
Genome position (GRCh38, 1-based): chr17:1,735,612, G>A. VCF-style: chr17-1735612-G-A. GRCh37 (hg19) VCF-style: chr17-1638906-G-A.
Other names: c.1611G>A, p.Val537= (NM_001163673.2); c.1539G>A, p.Val513= (NM_001163811.2); c.2067G>A, p.Val689= (NM_152348.4).
Identifiers: ClinVar variation 4989389 (VCV004989389.1).
Genomic context (GRCh38, chr17:1,735,612, plus strand): 5'-ACTGTGACTTTCCTTCCCAGGGAAGACCCTTCGCACAGTGGAGCCGCTGGACAGCCGGGT[G>A]CCCCTGACTGCGGTGGCTGTCATGCCCGCCCCCCACACCAGCATCACCATGGCCAGCTCT-3'
Protein context (NP_001157281.1, residues 1730-1750): LRTVEPLDSR[Val1740=]PLTAVAVMPA

ClinVar aggregate classification (germline): Likely benign (1 of 4 stars; one submission).

Conditions:
WDR81-related disorder. Also called: WDR81-related condition.

Submission:

PreventionGenetics, part of Exact Sciences
Classification: Likely benign for WDR81-related condition. Last evaluated: 2025-10-01. Review status: criteria provided, single submitter. Criteria: ACMG Guidelines, 2015. Collection method: clinical testing. Allele origin: germline.
Comment: This variant is classified as likely benign based on ACMG/AMP sequence variant interpretation guidelines (Richards et al. 2015 PMID: 25741868, with internal and published modifications).